The following is an entry in ClinVar:

NM_000718.4(CACNA1B):c.5965C>G (p.Pro1989Ala)

Gene: CACNA1B (calcium voltage-gated channel subunit alpha1 B; plus strand). Cytogenetic location: 9q34.3.
Variant type: single nucleotide variant.
Coding change: c.5965C>G on transcript NM_000718.4 (MANE Select); coding-DNA position 5965, C replaced by G.
Protein change: p.Pro1989Ala; replaces proline 1989 with alanine.
Molecular consequence: missense variant.
Genome position (GRCh38, 1-based): chr9:138,118,703, C>G. VCF-style: chr9-138118703-C-G. GRCh37 (hg19) VCF-style: chr9-141013155-C-G.
Other names: c.5965C>G (NM_000718.3); c.5965C>G, p.Pro1989Ala (NM_001243812.2); short protein forms P1989A.
Identifiers: ClinVar variation 1399965 (VCV001399965.28), dbSNP rs199740482, ClinGen allele CA5377558.
Genomic context (GRCh38, chr9:138,118,703, plus strand): 5'-TATCCACAGGCTGTGGACGTTCAGATGCAGAGCATAACCCGGAGGGGCCCTGATGGGGAG[C>G]CCCAGCCTGGGCTGGAGAGCCAGGGTCGAGCGGCCTCCATGCCCCGCCTTGCGGCCGAGA-3'
Protein context (NP_000709.1, residues 1979-1999): SITRRGPDGE[Pro1989Ala]QPGLESQGRA

ClinVar aggregate classification (germline): Uncertain significance. Review status: criteria provided, multiple submitters, no conflicts (2 of 4 stars). 5 submissions from 5 submitters: Uncertain significance (5). Last evaluated 2026-04-10.

Conditions:
CACNA1B-related disorder. Also called: CACNA1B-related condition.

Allele frequency attached by ClinVar (database versions not stated): 1000 Genomes Project 30x 0.00016; ESP Exome Variant Server 0.00016; 1000 Genomes Project 0.00020.
gnomAD v4.1: 267 of 1,565,788 alleles (0.017%); highest among the groups gnomAD compares: Middle Eastern, 0.034%; no homozygotes.

Submissions (5):

PreventionGenetics, part of Exact Sciences
Classification: Uncertain significance for CACNA1B-related condition. Last evaluated: 2026-04-10. Review status: criteria provided, single submitter. Criteria: ACMG Guidelines, 2015. Collection method: clinical testing. Allele origin: germline.
Comment: The CACNA1B c.5965C>G variant is predicted to result in the amino acid substitution p.Pro1989Ala. To our knowledge, this variant has not been reported in the literature. This variant is reported in 0.036% of alleles in individuals of European (Non-Finnish) descent in gnomAD. At this time, the clinical significance of this variant is uncertain due to the absence of conclusive functional and genetic evidence.

Labcorp Genetics (formerly Invitae), Labcorp
Classification: Uncertain significance. Last evaluated: 2025-12-16. Review status: criteria provided, single submitter. Criteria: Invitae Variant Classification Sherloc (09022015). Collection method: clinical testing. Allele origin: germline.
Comment: This sequence change replaces proline, which is neutral and non-polar, with alanine, which is neutral and non-polar, at codon 1989 of the CACNA1B protein (p.Pro1989Ala). The frequency data for this variant in the population databases is considered unreliable, as metrics indicate poor data quality at this position in the gnomAD database. This variant has not been reported in the literature in individuals affected with CACNA1B-related conditions. ClinVar contains an entry for this variant (Variation ID: 1399965). Invitae Evidence Modeling of protein sequence and biophysical properties (such as structural, functional, and spatial information, amino acid conservation, physicochemical variation, residue mobility, and thermodynamic stability) indicates that this missense variant is not expected to disrupt CACNA1B protein function with a negative predictive value of 80%. In summary, the available evidence is currently insufficient to determine the role of this variant in disease. Therefore, it has been classified as a Variant of Uncertain Significance.

Ambry Genetics
Classification: Uncertain significance. Last evaluated: 2025-04-06. Review status: criteria provided, single submitter. Criteria: Ambry Variant Classification Scheme 2023. Collection method: clinical testing. Allele origin: germline.

Women's Health and Genetics/Laboratory Corporation of America, LabCorp
Classification: Uncertain significance. Last evaluated: 2025-01-07. Review status: criteria provided, single submitter. Criteria: LabCorp Variant Classification Summary - May 2015. Collection method: clinical testing. Allele origin: germline.
Comment: Variant summary: CACNA1B c.5965C>G (p.Pro1989Ala) results in a non-conservative amino acid change in the encoded protein sequence. Four of five in-silico tools predict a benign effect of the variant on protein function. The variant allele was found at a frequency of 0.00019 in 175478 control chromosomes. This frequency is not significantly higher than estimated for a pathogenic variant in CACNA1B causing Neurodevelopmental Disorder With Seizures And Nonepileptic Hyperkinetic Movements, allowing no conclusion about variant significance. To our knowledge, no occurrence of c.5965C>G in individuals affected with Neurodevelopmental Disorder With Seizures And Nonepileptic Hyperkinetic Movements and no experimental evidence demonstrating its impact on protein function have been reported. ClinVar contains an entry for this variant (Variation ID: 1399965). Based on the evidence outlined above, the variant was classified as uncertain significance.

CeGaT Center for Human Genetics Tuebingen
Classification: Uncertain significance. Last evaluated: 2024-05-01. Review status: criteria provided, single submitter. Criteria: CeGaT Center For Human Genetics Tuebingen Variant Classification Criteria Version 2. Collection method: clinical testing. Allele origin: germline. Affected: yes. Observed: 2 variant alleles.
Comment: CACNA1B: PM2, BP4